The following is an entry in ClinVar:

ClinVar aggregate classification (germline): Uncertain significance (1 of 4 stars; one submission).

Conditions:
Hereditary spastic paraplegia 11. Also called: Spastic paraplegia, mental retardation and thin corpus callosum; Spastic Paraplegia 11; Nakamura Osame syndrome; Autosomal recessive hereditary spastic paraplegia, mental impairment, and thin corpus callosum; SPASTIC PARAPLEGIA, AUTOSOMAL RECESSIVE, COMPLICATED, WITH THIN CORPUS CALLOSUM; SPASTIC PARAPLEGIA, AUTOSOMAL RECESSIVE, WITH MENTAL IMPAIRMENT AND THIN CORPUS CALLOSUM. Identifiers: Orphanet 2822, MedGen C1858479, MONDO:0011445, OMIM 604360.

gnomAD v4.1: 5 of 1,613,386 alleles (0.00031%); highest among the groups gnomAD compares: South Asian, 0.0055%; no homozygotes.

Submission:

Labcorp Genetics (formerly Invitae), Labcorp
Classification: Uncertain significance for Hereditary spastic paraplegia 11. Last evaluated: 2021-02-08. Review status: criteria provided, single submitter. Criteria: Invitae Variant Classification Sherloc (09022015). Collection method: clinical testing. Allele origin: germline.
Comment: In summary, the available evidence is currently insufficient to determine the role of this variant in disease. Therefore, it has been classified as a Variant of Uncertain Significance. Algorithms developed to predict the effect of missense changes on protein structure and function are either unavailable or do not agree on the potential impact of this missense change (SIFT: "Deleterious"; PolyPhen-2: "Probably Damaging"; Align-GVGD: "Class C0"). This variant has not been reported in the literature in individuals with SPG11-related conditions. This variant is not present in population databases (ExAC no frequency). This sequence change replaces aspartic acid with tyrosine at codon 144 of the SPG11 protein (p.Asp144Tyr). The aspartic acid residue is moderately conserved and there is a large physicochemical difference between aspartic acid and tyrosine.

NM_025137.4(SPG11):c.430G>T (p.Asp144Tyr)

Gene: SPG11 (SPG11 vesicle trafficking associated, spatacsin; minus strand). Cytogenetic location: 15q21.1.
Variant type: single nucleotide variant.
Coding change: c.430G>T on transcript NM_025137.4 (MANE Select); coding-DNA position 430, G replaced by T.
Protein change: p.Asp144Tyr; replaces aspartic acid 144 with tyrosine.
Molecular consequence: missense variant.
Genome position (GRCh38, 1-based): chr15:44,660,444, C>A on the plus strand (G>T on the coding strand, the complement: SPG11 is on the minus strand). VCF-style: chr15-44660444-C-A. GRCh37 (hg19) VCF-style: chr15-44952642-C-A.
Other names: c.430G>T, p.Asp144Tyr (NM_001160227.2); short protein forms D144Y.
Identifiers: ClinVar variation 1370796 (VCV001370796.8), dbSNP rs747312770, ClinGen allele CA392238083.
Genomic context (GRCh38, chr15:44,660,444, plus strand): 5'-TAATGTCACAAATTTAAATATGCTGAAAGACCACCTGTAGATACTTACTGATATCTTGAT[C>A]GTCAATGAGCTTTTGCAATGCCTCCCTACTACAGCTATACAAAATGGTTGCATCACATCT-3'
Protein context (NP_079413.3, residues 134-154): SREALQKLID[Asp144Tyr]QDISISLLSL